The following is an entry in ClinVar:

NM_001135022.2(ELMOD3):c.868G>A (p.Ala290Thr)

Gene: ELMOD3 (ELMO domain containing 3; plus strand). Cytogenetic location: 2p11.2.
Variant type: single nucleotide variant.
Coding change: c.868G>A on transcript NM_001135022.2 (MANE Select); coding-DNA position 868, G replaced by A.
Protein change: p.Ala290Thr; replaces alanine 290 with threonine.
Molecular consequence: missense variant. On other transcripts: non-coding transcript variant (3).
Genome position (GRCh38, 1-based): chr2:85,390,190, G>A. VCF-style: chr2-85390190-G-A. GRCh37 (hg19) VCF-style: chr2-85617313-G-A.
Other names: c.868G>A, p.Ala290Thr (NM_001135021.2, NM_001135023.2, NM_001329791.2 and 3 more transcripts); c.868G>A (NM_001135021.1); short protein forms A290T.
Identifiers: ClinVar variation 2181169 (VCV002181169.5), dbSNP rs770248019, ClinGen allele CA1740531.
Genomic context (GRCh38, chr2:85,390,190, plus strand): 5'-TCCTGCAGAGAGTGTAATCGGCAGCAGAAGGTCATCCCCGTGGTGAACAGCTTCTATGCC[G>A]CCACATTCCTCCACCTCGCACATGTCTGGAGGACACAGCGGAAGACCATCTCAGACTCGG-3'
Protein context (NP_001128494.1, residues 280-300): VIPVVNSFYA[Ala290Thr]TFLHLAHVWR

ClinVar aggregate classification (germline): Uncertain significance. Review status: criteria provided, multiple submitters, no conflicts (2 of 4 stars). 2 submissions from 2 submitters: Uncertain significance (2). Last evaluated 2026-09-02.

Conditions:
ELMOD3-related disorder. Also called: ELMOD3-related condition.

Allele frequency attached by ClinVar (database versions not stated): gnomAD 0.00001; ExAC 0.00003; gnomAD exomes 0.00003; TOPMed 0.00003.
gnomAD v4.1: 51 of 1,614,074 alleles (0.0032%); highest among the groups gnomAD compares: Middle Eastern, 0.033%; no homozygotes.

Submissions (2):

PreventionGenetics, part of Exact Sciences
Classification: Uncertain significance for ELMOD3-related condition. Last evaluated: 2026-09-02. Review status: criteria provided, single submitter. Criteria: ACMG Guidelines, 2015. Collection method: clinical testing. Allele origin: germline.
Comment: The ELMOD3 c.868G>A variant is predicted to result in the amino acid substitution p.Ala290Thr. To our knowledge, this variant has not been reported in the literature. This variant is reported in 0.014% of alleles in individuals of Latino descent in gnomAD. At this time, the clinical significance of this variant is uncertain due to the absence of conclusive functional and genetic evidence.

Labcorp Genetics (formerly Invitae), Labcorp
Classification: Uncertain significance. Last evaluated: 2025-11-08. Review status: criteria provided, single submitter. Criteria: Invitae Variant Classification Sherloc (09022015). Collection method: clinical testing. Allele origin: germline.
Comment: This sequence change replaces alanine, which is neutral and non-polar, with threonine, which is neutral and polar, at codon 290 of the ELMOD3 protein (p.Ala290Thr). This variant is present in population databases (rs770248019, gnomAD 0.01%). This variant has not been reported in the literature in individuals affected with ELMOD3-related conditions. ClinVar contains an entry for this variant (Variation ID: 2181169). Invitae Evidence Modeling of protein sequence and biophysical properties (such as structural, functional, and spatial information, amino acid conservation, physicochemical variation, residue mobility, and thermodynamic stability) indicates that this missense variant is not expected to disrupt ELMOD3 protein function with a negative predictive value of 80%. In summary, the available evidence is currently insufficient to determine the role of this variant in disease. Therefore, it has been classified as a Variant of Uncertain Significance.